The following is an entry in ClinVar:

ClinVar aggregate classification (germline): Uncertain significance (1 of 4 stars; one submission).

Submission:

CeGaT Center for Human Genetics Tuebingen
Classification: Uncertain significance. Last evaluated: 2022-10-01. Review status: criteria provided, single submitter. Criteria: CeGaT Center For Human Genetics Tuebingen Variant Classification Criteria Version 2. Collection method: clinical testing. Allele origin: germline. Affected: yes. Observed: 1 variant allele.
Comment: EVC: PM2, BP4

NM_153717.3(EVC):c.1595A>G (p.Gln532Arg)

Gene: EVC (EvC ciliary complex subunit 1; plus strand). Cytogenetic location: 4p16.2.
Variant type: single nucleotide variant.
Coding change: c.1595A>G on transcript NM_153717.3 (MANE Select); coding-DNA position 1595, A replaced by G.
Protein change: p.Gln532Arg; replaces glutamine 532 with arginine.
Molecular consequence: missense variant.
Genome position (GRCh38, 1-based): chr4:5,783,583, A>G. VCF-style: chr4-5783583-A-G. GRCh37 (hg19) VCF-style: chr4-5785310-A-G.
Other names: c.1595A>G, p.Gln532Arg (NM_001306090.2); short protein forms Q532R.
Identifiers: ClinVar variation 2654611 (VCV002654611.24), dbSNP rs2476466696, ClinGen allele CA356160613.